The following is an entry in ClinVar:

NM_001080517.3(SETD5):c.2103+2T>G

Gene: SETD5 (SET domain containing 5; plus strand). Cytogenetic location: 3p25.3.
Variant type: single nucleotide variant.
Coding change: c.2103+2T>G on transcript NM_001080517.3 (MANE Select); the canonical splice donor site of the intron after coding-DNA position 2103, T replaced by G.
Molecular consequence: splice donor variant.
Genome position (GRCh38, 1-based): chr3:9,448,008, T>G. VCF-style: chr3-9448008-T-G. GRCh37 (hg19) VCF-style: chr3-9489692-T-G.
Other names: c.1809+2T>G (NM_001349451.2, NM_001292043.2).
Identifiers: ClinVar variation 2011160 (VCV002011160.4), dbSNP rs2472976219, ClinGen allele CA351700245.
Genomic context (GRCh38, chr3:9,448,008, plus strand): 5'-TGTCAATTACTGGATCCCATGTCAACCGTGCTGCATCTAAATACCCCAAAACCAAAAAGG[T>G]AAGTCACAAATGCATCCTTTATAAGTCCAGTCTGGCAAGGGCTGTCTTAGTGAAATGAGA-3'

ClinVar aggregate classification (germline): Likely pathogenic (1 of 4 stars; one submission).

Submission:

Labcorp Genetics (formerly Invitae), Labcorp
Classification: Likely pathogenic. Last evaluated: 2023-08-10. Review status: criteria provided, single submitter. Criteria: Invitae Variant Classification Sherloc (09022015). Collection method: clinical testing. Allele origin: germline.
Comment: Algorithms developed to predict the effect of sequence changes on RNA splicing suggest that this variant may disrupt the consensus splice site. In summary, the currently available evidence indicates that the variant is pathogenic, but additional data are needed to prove that conclusively. Therefore, this variant has been classified as Likely Pathogenic. ClinVar contains an entry for this variant (Variation ID: 2011160). This variant has not been reported in the literature in individuals affected with SETD5-related conditions. This variant is not present in population databases (gnomAD no frequency). This sequence change affects a donor splice site in intron 15 of the SETD5 gene. It is expected to disrupt RNA splicing. Variants that disrupt the donor or acceptor splice site typically lead to a loss of protein function (PMID: 16199547), and loss-of-function variants in SETD5 are known to be pathogenic (PMID: 24680889).

Literature cited by the submitters: PubMed 16199547; PubMed 24680889.